The following is an entry in ClinVar:

ClinVar aggregate classification (germline): Uncertain significance (1 of 4 stars; one submission).

Submission:

Labcorp Genetics (formerly Invitae), Labcorp
Classification: Uncertain significance. Last evaluated: 2023-10-30. Review status: criteria provided, single submitter. Criteria: Invitae Variant Classification Sherloc (09022015). Collection method: clinical testing. Allele origin: germline.
Comment: This sequence change replaces glycine, which is neutral and non-polar, with serine, which is neutral and polar, at codon 430 of the COL9A2 protein (p.Gly430Ser). This variant is not present in population databases (gnomAD no frequency). This variant has not been reported in the literature in individuals affected with COL9A2-related conditions. An algorithm developed to predict the effect of missense changes on protein structure and function (PolyPhen-2) suggests that this variant is likely to be disruptive. In summary, the available evidence is currently insufficient to determine the role of this variant in disease. Therefore, it has been classified as a Variant of Uncertain Significance.

NM_001852.4(COL9A2):c.1288G>A (p.Gly430Ser)

Gene: COL9A2 (collagen type IX alpha 2 chain; minus strand). Cytogenetic location: 1p34.2.
Variant type: single nucleotide variant.
Coding change: c.1288G>A on transcript NM_001852.4 (MANE Select); coding-DNA position 1288, G replaced by A.
Protein change: p.Gly430Ser; replaces glycine 430 with serine.
Molecular consequence: missense variant.
Genome position (GRCh38, 1-based): chr1:40,304,099, C>T on the plus strand (G>A on the coding strand, the complement: COL9A2 is on the minus strand). VCF-style: chr1-40304099-C-T. GRCh37 (hg19) VCF-style: chr1-40769771-C-T.
Other names: short protein forms G430S.
Identifiers: ClinVar variation 2768726 (VCV002768726.3), dbSNP rs2522494225, ClinGen allele CA339880630.